The following is an entry in ClinVar:

NM_001195263.2(PDZD7):c.1468_1489dup (p.Ala497fs)

Gene: PDZD7 (PDZ domain containing 7; minus strand). Cytogenetic location: 10q24.31.
Variant type: Duplication.
Coding change: c.1468_1489dup on transcript NM_001195263.2 (MANE Select); coding-DNA positions 1468 to 1489, 22 bases duplicated (ACACTGGACAGCGGGAGCCTGG).
Protein change: p.Ala497fs; shifts the reading frame from alanine 497.
Molecular consequence: frameshift variant.
Genome position (GRCh38, 1-based): chr10:101,018,132-101,018,153, CCAGGCTCCCGCTGTCCAGTGT duplicated on the plus strand (ACACTGGACAGCGGGAGCCTGG on the coding strand, the reverse complement: PDZD7 is on the minus strand); duplicating any 22 consecutive bases within chr10:101,018,132-101,018,159 gives the same sequence; the c. name uses the placement nearest the transcript's 3' end. VCF-style (leftmost placement, unchanged base first): chr10-101018131-G-GCCAGGCTCCCGCTGTCCAGTGT. GRCh37 (hg19) VCF-style: chr10-102777888-G-GCCAGGCTCCCGCTGTCCAGTGT.
Other names: c.1496_1517dup, p.Gln507fs (NM_001351044.2); c.1468_1489dup, p.Ala497fs (NM_001437429.1, NM_024895.5); short protein forms Q507fs, A497fs.
Identifiers: ClinVar variation 4715901 (VCV004715901.1).
Genomic context (GRCh38, chr10:101,018,131, plus strand): 5'-CTTCCTGTTTGATCAGCCCACTACTTACCTTTCTCTATGTCCAGGCGAGGGTAAGTTTTG[G>GCCAGGCTCCCGCTGTCCAGTGT]CCAGGCTCCCGCTGTCCAGTGTCCAGGCCTCTCTGCGCCCGTCCCGCGCTAGCCTCCCCT-3'

ClinVar aggregate classification (germline): Pathogenic (1 of 4 stars; one submission).

Submission:

Labcorp Genetics (formerly Invitae), Labcorp
Classification: Pathogenic. Last evaluated: 2025-08-01. Review status: criteria provided, single submitter. Criteria: Invitae Variant Classification Sherloc (09022015). Collection method: clinical testing. Allele origin: germline.
Comment: This sequence change creates a premature translational stop signal (p.Ala497Aspfs*36) in the PDZD7 gene. It is expected to result in an absent or disrupted protein product. Loss-of-function variants in PDZD7 are known to be pathogenic (PMID: 20440071). This variant is not present in population databases (gnomAD no frequency). This variant has not been reported in the literature in individuals affected with PDZD7-related conditions. For these reasons, this variant has been classified as Pathogenic.

Literature cited by the submitters: PubMed 20440071.